The following is an entry in ClinVar:

NM_173689.7(CRB2):c.2603-10C>A

Gene: CRB2 (crumbs cell polarity complex component 2; plus strand). Cytogenetic location: 9q33.3.
Variant type: single nucleotide variant.
Coding change: c.2603-10C>A on transcript NM_173689.7 (MANE Select); 10 bases into the intron before coding-DNA position 2603, C replaced by A.
Molecular consequence: intron variant.
Genome position (GRCh38, 1-based): chr9:123,373,124, C>A. VCF-style: chr9-123373124-C-A. GRCh37 (hg19) VCF-style: chr9-126135403-C-A.
Identifiers: ClinVar variation 3061607 (VCV003061607.2), dbSNP rs751227892, ClinGen allele CA5232270.

ClinVar aggregate classification (germline): Likely benign (0 of 4 stars; one submission).

Conditions:
CRB2-related disorder. Also called: CRB2-related condition; CRB2-related disorders.

Submission:

PreventionGenetics, part of Exact Sciences
Classification: Likely benign for CRB2-related condition. Last evaluated: 2021-12-13. Review status: no assertion criteria provided. Collection method: clinical testing. Allele origin: germline.
Comment: This variant is classified as likely benign based on ACMG/AMP sequence variant interpretation guidelines (Richards et al. 2015 PMID: 25741868, with internal and published modifications).